The following is an entry in ClinVar:

NM_000531.6(OTC):c.327T>A (p.Cys109Ter)

Gene: OTC (ornithine transcarbamylase; plus strand). Cytogenetic location: Xp11.4.
Variant type: single nucleotide variant.
Coding change: c.327T>A on transcript NM_000531.6 (MANE Select); coding-DNA position 327, T replaced by A.
Protein change: p.Cys109Ter; replaces cysteine 109 with a stop codon.
Molecular consequence: nonsense.
Genome position (GRCh38, 1-based): chrX:38,381,370, T>A. VCF-style: chrX-38381370-T-A. GRCh37 (hg19) VCF-style: chrX-38240623-T-A.
Other names: short protein forms C109*.
Identifiers: ClinVar variation 870327 (VCV000870327.3), dbSNP rs2068375565, ClinGen allele CA412718302.

ClinVar aggregate classification (germline): Pathogenic (0 of 4 stars; one submission).

Conditions:
Ornithine carbamoyltransferase deficiency (OTCD). Also called: OTC DEFICIENCY; Ornithine Carbamoyltransferase Deficiency Disease; ORNITHINE TRANSCARBAMYLASE DEFICIENCY; ORNITHINE TRANSCARBAMYLASE DEFICIENCY, HYPERAMMONEMIA DUE TO. Identifiers: Orphanet 664, MedGen C0268542, MONDO:0010703, OMIM 311250.

Submission:

Molecular Genetics laboratory, Necker Hospital
Classification: Pathogenic for Ornithine carbamoyltransferase deficiency. Review status: no assertion criteria provided. Collection method: clinical testing. Allele origin: maternal. Inheritance: X-linked inheritance. Affected: yes.
Comment: two boys with a neonatal form